The following is an entry in ClinVar:

NM_001844.5(COL2A1):c.3208C>T (p.Pro1070Ser)

Gene: COL2A1 (collagen type II alpha 1 chain; minus strand). Cytogenetic location: 12q13.11.
Variant type: single nucleotide variant.
Coding change: c.3208C>T on transcript NM_001844.5 (MANE Select); coding-DNA position 3208, C replaced by T.
Protein change: p.Pro1070Ser; replaces proline 1070 with serine.
Molecular consequence: missense variant.
Genome position (GRCh38, 1-based): chr12:47,977,385, G>A on the plus strand (C>T on the coding strand, the complement: COL2A1 is on the minus strand). VCF-style: chr12-47977385-G-A. GRCh37 (hg19) VCF-style: chr12-48371168-G-A.
Other names: c.3001C>T, p.Pro1001Ser (NM_033150.3); short protein forms P1001S, P1070S.
Identifiers: ClinVar variation 4526616 (VCV004526616.2).

ClinVar aggregate classification (germline): Uncertain significance. Review status: criteria provided, multiple submitters, no conflicts (2 of 4 stars). 2 submissions from 2 submitters: Uncertain significance (2). Last evaluated 2025-08-09.

Conditions:
Spondyloperipheral dysplasia. Also called: SPONDYLOPERIPHERAL DYSPLASIA WITH SHORT ULNA; Spondyloperipheral dysplasia-short ulna syndrome. Identifiers: Orphanet 1856, MedGen C0796173, MONDO:0010078, OMIM 271700.

Submissions (2):

Labcorp Genetics (formerly Invitae), Labcorp
Classification: Uncertain significance. Last evaluated: 2025-08-09. Review status: criteria provided, single submitter. Criteria: Invitae Variant Classification Sherloc (09022015). Collection method: clinical testing. Allele origin: germline.
Comment: This sequence change replaces proline, which is neutral and non-polar, with serine, which is neutral and polar, at codon 1070 of the COL2A1 protein (p.Pro1070Ser). This variant is not present in population databases (gnomAD no frequency). This variant has not been reported in the literature in individuals affected with COL2A1-related conditions. Invitae Evidence Modeling of protein sequence and biophysical properties (such as structural, functional, and spatial information, amino acid conservation, physicochemical variation, residue mobility, and thermodynamic stability) has been performed for this missense variant. However, the output from this modeling did not meet the statistical confidence thresholds required to predict the impact of this variant on COL2A1 protein function. In summary, the available evidence is currently insufficient to determine the role of this variant in disease. Therefore, it has been classified as a Variant of Uncertain Significance.

MVZ Martinsried, Medicover Genetics
Classification: Uncertain significance for Spondyloperipheral dysplasia. Last evaluated: 2025-08-06. Review status: criteria provided, single submitter. Criteria: ClinGen Variant Curation SOP V3.2 + Classification Guidance July2025. Collection method: clinical testing. Allele origin: unknown. Affected: yes.